The following is an entry in ClinVar:

ClinVar aggregate classification (germline): Uncertain significance. Review status: criteria provided, multiple submitters, no conflicts (2 of 4 stars). 2 submissions from 2 submitters: Uncertain significance (2). Last evaluated 2022-11-01.

Conditions:
Inborn genetic diseases. Identifiers: MedGen C0950123, MeSH D030342.

Allele frequency attached by ClinVar (database versions not stated): ExAC 0.00004; TOPMed 0.00010.
gnomAD v4.1: 15 of 1,613,894 alleles (0.00093%); highest among the groups gnomAD compares: African/African-American, 0.019%; no homozygotes.

Submissions (2):

Labcorp Genetics (formerly Invitae), Labcorp
Classification: Uncertain significance. Last evaluated: 2022-11-01. Review status: criteria provided, single submitter. Criteria: Invitae Variant Classification Sherloc (09022015). Collection method: clinical testing. Allele origin: germline.
Comment: This sequence change replaces aspartic acid, which is acidic and polar, with glutamic acid, which is acidic and polar, at codon 495 of the CNTNAP1 protein (p.Asp495Glu). This variant is present in population databases (rs755276777, gnomAD 0.04%). This variant has not been reported in the literature in individuals affected with CNTNAP1-related conditions. Algorithms developed to predict the effect of missense changes on protein structure and function are either unavailable or do not agree on the potential impact of this missense change (SIFT: "Deleterious"; PolyPhen-2: "Benign"; Align-GVGD: "Class C0"). In summary, the available evidence is currently insufficient to determine the role of this variant in disease. Therefore, it has been classified as a Variant of Uncertain Significance.

Ambry Genetics
Classification: Uncertain significance for Inborn genetic diseases. Last evaluated: 2021-08-09. Review status: criteria provided, single submitter. Criteria: Ambry Variant Classification Scheme 2023. Collection method: clinical testing. Allele origin: germline.

NM_003632.3(CNTNAP1):c.1485C>G (p.Asp495Glu)

Gene: CNTNAP1 (contactin associated protein 1; plus strand). Cytogenetic location: 17q21.2.
Variant type: single nucleotide variant.
Coding change: c.1485C>G on transcript NM_003632.3 (MANE Select); coding-DNA position 1485, C replaced by G.
Protein change: p.Asp495Glu; replaces aspartic acid 495 with glutamic acid.
Molecular consequence: missense variant.
Genome position (GRCh38, 1-based): chr17:42,688,904, C>G. VCF-style: chr17-42688904-C-G. GRCh37 (hg19) VCF-style: chr17-40840922-C-G.
Other names: c.1485C>G (NM_003632.2); short protein forms D495E.
Identifiers: ClinVar variation 2144367 (VCV002144367.5), dbSNP rs755276777, ClinGen allele CA8581808.